The following is an entry in ClinVar:

ClinVar aggregate classification (germline): Benign/Likely benign. Review status: criteria provided, multiple submitters, no conflicts (2 of 4 stars). 6 submissions from 6 submitters: Benign (2); Likely benign (3). 1 of the submissions does not count toward it. Last evaluated 2026-01-28.

Conditions:
Cardiomyopathy (CMYO). Also called: Cardiomyopathies. Identifiers: Orphanet 167848, MedGen C0878544, MONDO:0004994, HP:0001638. Inheritance: Various modes of inheritance.
Becker muscular dystrophy (BMD). Also called: MUSCULAR DYSTROPHY, PSEUDOHYPERTROPHIC PROGRESSIVE, BECKER TYPE; Becker Muscular Dystrophy (BMD). Identifiers: Orphanet 98895, MedGen C0917713, MONDO:0010311, OMIM 300376.
Duchenne muscular dystrophy (DMD). Also called: Duchenne Muscular Dystrophy (DMD); MUSCULAR DYSTROPHY, PSEUDOHYPERTROPHIC PROGRESSIVE, DUCHENNE TYPE. Identifiers: Orphanet 98896, MedGen C0013264, MONDO:0010679, OMIM 310200.
Dystrophin deficiency.
Cardiovascular phenotype. Identifiers: MedGen CN230736.

Allele frequency attached by ClinVar (database versions not stated): gnomAD 0.00003 and 0.00005; TOPMed 0.00003; gnomAD exomes 0.00010 and 0.00013; ExAC 0.00011; 1000 Genomes Project 30x 0.00021.
gnomAD v4.1: 115 of 1,209,794 alleles (0.0095%); highest among the groups gnomAD compares: South Asian, 0.13%; no homozygotes.

Submissions (6):

Labcorp Genetics (formerly Invitae), Labcorp
Classification: Benign for Duchenne muscular dystrophy. Last evaluated: 2026-01-28. Review status: criteria provided, single submitter. Criteria: Invitae Variant Classification Sherloc (09022015). Collection method: clinical testing. Allele origin: germline.

Mayo Clinic Laboratories, Mayo Clinic
Classification: Likely benign. Last evaluated: 2025-07-30. Review status: criteria provided, single submitter. Criteria: ACMG Guidelines, 2015. Collection method: clinical testing. Allele origin: germline. Observed: 1 variant allele.
Comment: BS2, BP4, BP7

CeGaT Center for Human Genetics Tuebingen
Classification: Likely benign. Last evaluated: 2024-04-01. Review status: criteria provided, single submitter. Criteria: CeGaT Center For Human Genetics Tuebingen Variant Classification Criteria Version 2. Collection method: clinical testing. Allele origin: germline. Affected: yes. Observed: 1 variant allele.
Comment: DMD: BP4, BP7, BS2

Ambry Genetics
Classification: Benign for Cardiovascular phenotype. Last evaluated: 2021-10-29. Review status: criteria provided, single submitter. Criteria: Ambry Variant Classification Scheme 2023. Collection method: clinical testing. Allele origin: germline.

Eurofins Ntd Llc (ga)
Classification: Likely benign. Last evaluated: 2016-08-04. Review status: criteria provided, single submitter. Criteria: EGL Classification Definitions 2015. Collection method: clinical testing. Allele origin: germline. Observed: 2 variant alleles, 2 hemizygotes.

Natera, Inc.
Classification: Likely benign for Becker muscular dystrophy; Cardiomyopathy; Duchenne muscular dystrophy; Dystrophin deficiency. Last evaluated: 2017-11-14. Review status: no assertion criteria provided. Collection method: clinical testing. Allele origin: germline. Not counted in ClinVar's aggregate classification.

NM_004006.3(DMD):c.1059G>A (p.Ser353=)

Gene: DMD (dystrophin; minus strand). Cytogenetic location: Xp21.1.
Variant type: single nucleotide variant.
Coding change: c.1059G>A on transcript NM_004006.3 (MANE Select); coding-DNA position 1059, G replaced by A.
Protein change: p.Ser353=; no amino-acid change (serine 353 retained).
Molecular consequence: synonymous variant.
Genome position (GRCh38, 1-based): chrX:32,645,054, C>T on the plus strand (G>A on the coding strand, the complement: DMD is on the minus strand). VCF-style: chrX-32645054-C-T. GRCh37 (hg19) VCF-style: chrX-32663171-C-T.
Other names: p.Ser353=; c.1035G>A, p.Ser345= (NM_000109.4); c.1047G>A, p.Ser349= (NM_004009.3); c.690G>A, p.Ser230= (NM_004010.3).
Identifiers: ClinVar variation 281258 (VCV000281258.38), dbSNP rs760621626, ClinGen allele CA10379979.
Genomic context (GRCh38, chrX:32,645,054, plus strand): 5'-TTCCACATCATTAGAAATCTCTCCTTGTGCTTGCAATGTGTCCTCAGCAGAAAGAAGCCA[C>T]GATAATACTTCTTCTAAAGCTGTTTGATAACGGTCCAGGTTTACTTCACTCTCCATCAAT-3'
Protein context (NP_003997.2, residues 343-363): RYQTALEEVL[Ser353=]WLLSAEDTLQ